The following is an entry in ClinVar:

NM_000218.3(KCNQ1):c.1394-35987T>C

Genes: KCNQ1 (potassium voltage-gated channel subfamily Q member 1; plus strand), KCNQ1OT1 (KCNQ1 opposite strand/antisense transcript 1; minus strand). Cytogenetic location: 11p15.5.
Variant type: single nucleotide variant.
Coding change: c.1394-35987T>C on transcript NM_000218.3 (MANE Select); 35987 bases into the intron before coding-DNA position 1394, T replaced by C.
Molecular consequence: intron variant. On other transcripts: non-coding transcript variant (1).
Genome position (GRCh38, 1-based): chr11:2,625,974, T>C. VCF-style: chr11-2625974-T-C. GRCh37 (hg19) VCF-style: chr11-2647204-T-C.
Other names: c.1124-35987T>C (NM_001406837.1); c.1298-35987T>C (NM_001406836.1); c.854-35987T>C (NM_001406838.1); c.1013-35987T>C (NM_181798.2).
Identifiers: ClinVar variation 2672441 (VCV002672441.23), dbSNP rs187530168, ClinGen allele CA216364512.

ClinVar aggregate classification (germline): Benign (1 of 4 stars; one submission).

Allele frequency attached by ClinVar (database versions not stated): 1000 Genomes Project 30x 0.00016; 1000 Genomes Project 0.00020; gnomAD 0.00023; TOPMed 0.00034; gnomAD exomes 0.00038.
gnomAD v4.1: 130 of 398,656 alleles (0.033%); highest among the groups gnomAD compares: Admixed American, 0.057%; no homozygotes.

Submission:

CeGaT Center for Human Genetics Tuebingen
Classification: Benign. Last evaluated: 2026-06-01. Review status: criteria provided, single submitter. Criteria: CeGaT Center For Human Genetics Tuebingen Variant Classification Criteria Version 2. Collection method: clinical testing. Allele origin: germline. Affected: yes. Observed: 3 variant alleles.
Comment: KCNQ1OT1: BS1, BS2